The following is an entry in ClinVar:

ClinVar aggregate classification (germline): Uncertain significance. Review status: criteria provided, multiple submitters, no conflicts (2 of 4 stars). 2 submissions from 2 submitters: Uncertain significance (2). Last evaluated 2025-12-15.

Conditions:
Cardiovascular phenotype. Identifiers: MedGen CN230736.
Desmin-related myofibrillar myopathy (MFM1). Also called: MYOFIBRILLAR MYOPATHY WITH ARRHYTHMOGENIC RIGHT VENTRICULAR CARDIOMYOPATHY; DESMIN-RELATED MYOPATHY WITH ARRHYTHMOGENIC RIGHT VENTRICULAR CARDIOMYOPATHY; Desminopathy; Myofibrillar myopathy 1; Desmin related myopathy (former name); Desmin storage myopathy (former name). Identifiers: Orphanet 363543, Orphanet 98909, MedGen C1832370, MONDO:0011076, OMIM 601419.

Allele frequency attached by ClinVar (database versions not stated): TOPMed below 0.00001; gnomAD 0.00001.
gnomAD v4.1: 2 of 1,613,776 alleles (0.00012%); highest among the groups gnomAD compares: African/African-American, 0.0027%; no homozygotes.

Submissions (2):

Ambry Genetics
Classification: Uncertain significance for Cardiovascular phenotype. Last evaluated: 2025-12-15. Review status: criteria provided, single submitter. Criteria: Ambry Variant Classification Scheme 2023. Collection method: clinical testing. Allele origin: germline.
Comment: The p.E249A variant (also known as c.746A>C), located in coding exon 4 of the DES gene, results from an A to C substitution at nucleotide position 746. The glutamic acid at codon 249 is replaced by alanine, an amino acid with dissimilar properties. This amino acid position is highly conserved in available vertebrate species. In addition, this alteration is predicted to be deleterious by in silico analysis. Since supporting evidence is limited at this time, the clinical significance of this alteration remains unclear.

Labcorp Genetics (formerly Invitae), Labcorp
Classification: Uncertain significance for Desmin-related myofibrillar myopathy. Last evaluated: 2025-09-23. Review status: criteria provided, single submitter. Criteria: Invitae Variant Classification Sherloc (09022015). Collection method: clinical testing. Allele origin: germline.
Comment: This sequence change replaces glutamic acid, which is acidic and polar, with alanine, which is neutral and non-polar, at codon 249 of the DES protein (p.Glu249Ala). This variant is not present in population databases (gnomAD no frequency). This variant has not been reported in the literature in individuals affected with DES-related conditions. ClinVar contains an entry for this variant (Variation ID: 1046632). Invitae Evidence Modeling of protein sequence and biophysical properties (such as structural, functional, and spatial information, amino acid conservation, physicochemical variation, residue mobility, and thermodynamic stability) has been performed for this missense variant. However, the output from this modeling did not meet the statistical confidence thresholds required to predict the impact of this variant on DES protein function. Algorithms developed to predict the effect of sequence changes on RNA splicing suggest that this variant may create or strengthen a splice site. In summary, the available evidence is currently insufficient to determine the role of this variant in disease. Therefore, it has been classified as a Variant of Uncertain Significance.

NM_001927.4(DES):c.746A>C (p.Glu249Ala)

Gene: DES (desmin; plus strand). Cytogenetic location: 2q35.
Variant type: single nucleotide variant.
Coding change: c.746A>C on transcript NM_001927.4 (MANE Select); coding-DNA position 746, A replaced by C.
Protein change: p.Glu249Ala; replaces glutamic acid 249 with alanine.
Molecular consequence: missense variant. On other transcripts: intron variant (2).
Genome position (GRCh38, 1-based): chr2:219,420,505, A>C. VCF-style: chr2-219420505-A-C. GRCh37 (hg19) VCF-style: chr2-220285227-A-C.
Other names: c.743A>C, p.Glu248Ala (NM_001382708.1); c.746A>C, p.Glu249Ala (NM_001382710.1, NM_001382711.1, NM_001382712.1); c.735+159A>C (NM_001382709.1); c.496-20A>C (NM_001382713.1); c.746A>C (NM_001927.3); short protein forms E248A, E249A.
Identifiers: ClinVar variation 1046632 (VCV001046632.12), dbSNP rs1256488465, ClinGen allele CA350690760.